The following is an entry in ClinVar:

NM_020778.5(ALPK3):c.3050G>A (p.Arg1017His)

Gene: ALPK3 (alpha kinase 3; plus strand). Cytogenetic location: 15q25.3.
Variant type: single nucleotide variant.
Coding change: c.3050G>A on transcript NM_020778.5 (MANE Select); coding-DNA position 3050, G replaced by A.
Protein change: p.Arg1017His; replaces arginine 1017 with histidine.
Molecular consequence: missense variant.
Genome position (GRCh38, 1-based): chr15:84,857,788, G>A. VCF-style: chr15-84857788-G-A. GRCh37 (hg19) VCF-style: chr15-85401019-G-A.
Other names: short protein forms R1219H, R1017H.
Identifiers: ClinVar variation 546419 (VCV000546419.10), dbSNP rs776844237, ClinGen allele CA7709548.

ClinVar aggregate classification (germline): Conflicting classifications of pathogenicity. Review status: criteria provided, conflicting classifications (1 of 4 stars). 4 submissions from 4 submitters: Uncertain significance (3); Likely benign (1). Last evaluated 2025-11-18.

Conditions:
Cardiovascular phenotype. Identifiers: MedGen CN230736.

Allele frequency attached by ClinVar (database versions not stated): gnomAD exomes 0.00001 and 0.00002; gnomAD 0.00002; TOPMed 0.00002; ExAC 0.00003.
gnomAD v4.1: 25 of 1,611,926 alleles (0.0016%); highest among the groups gnomAD compares: East Asian, 0.0045%; no homozygotes.

Submissions (4):

Labcorp Genetics (formerly Invitae), Labcorp
Classification: Uncertain significance. Last evaluated: 2025-11-18. Review status: criteria provided, single submitter. Criteria: Invitae Variant Classification Sherloc (09022015). Collection method: clinical testing. Allele origin: germline.
Comment: This sequence change replaces arginine, which is basic and polar, with histidine, which is basic and polar, at codon 1219 of the ALPK3 protein (p.Arg1219His). This variant is present in population databases (rs776844237, gnomAD 0.01%). This variant has not been reported in the literature in individuals affected with ALPK3-related conditions. ClinVar contains an entry for this variant (Variation ID: 546419). Invitae Evidence Modeling of protein sequence and biophysical properties (such as structural, functional, and spatial information, amino acid conservation, physicochemical variation, residue mobility, and thermodynamic stability) indicates that this missense variant is not expected to disrupt ALPK3 protein function with a negative predictive value of 80%. In summary, the available evidence is currently insufficient to determine the role of this variant in disease. Therefore, it has been classified as a Variant of Uncertain Significance.

Blueprint Genetics
Classification: Likely benign. Last evaluated: 2024-05-23. Review status: criteria provided, single submitter. Criteria: ACMG Guidelines, 2015. Collection method: clinical testing. Allele origin: germline.

Ambry Genetics
Classification: Uncertain significance for Cardiovascular phenotype. Last evaluated: 2024-03-28. Review status: criteria provided, single submitter. Criteria: Ambry Variant Classification Scheme 2023. Collection method: clinical testing. Allele origin: germline.
Comment: The p.R1219H variant (also known as c.3656G>A), located in coding exon 6 of the ALPK3 gene, results from a G to A substitution at nucleotide position 3656. The arginine at codon 1219 is replaced by histidine, an amino acid with highly similar properties. This amino acid position is conserved. In addition, the in silico prediction for this alteration is inconclusive. Based on the available evidence, the clinical significance of this alteration remains unclear.

GeneDx
Classification: Uncertain significance. Last evaluated: 2018-05-21. Review status: criteria provided, single submitter. Criteria: GeneDx Variant Classification (06012015). Collection method: clinical testing. Allele origin: germline. Affected: yes.
Comment: A variant of uncertain significance has been identified in the ALPK3 gene. The R1219H variant has not been published as pathogenic or been reported as benign to our knowledge. The R1219H variant is not observed at a significant frequency in large population cohorts (Lek et al., 2016). Nevertheless, the R1219H variant is a conservative amino acid substitution, which is not likely to impact secondary protein structure as these residues share similar properties. Furthermore, in-silico analyses, including protein predictors and evolutionary conservation, support that this variant does not alter protein structure/function.